The following is an entry in ClinVar:

ClinVar aggregate classification (germline): Uncertain significance (1 of 4 stars; one submission).

Submission:

GeneDx
Classification: Uncertain significance. Last evaluated: 2014-01-14. Review status: criteria provided, single submitter. Criteria: GeneDx Variant Classification (06012015). Collection method: clinical testing. Allele origin: germline. Affected: yes.
Comment: RAD50 has been only recently described in association with cancer predisposition and the risks are not well understood. This variant is denoted RAD50 c.1117T>G at the cDNA level, p.Ser373Ala (S373A) at the protein level, and results in the change of a Serine to an Alanine (TCT>GCT). This variant has not, to our knowledge, been published in the literature as pathogenic or benign. RAD50 Ser373Ala was not observed in approximately 6,500 individuals of European and African American ancestry in the NHLBI Exome Sequencing Project, indicating it is not a common benign variant in these populations. This variant is a non-conservative substitution in which a neutral polar amino acid is replaced with a neutral non-polar one, altering a position that is well conserved throughout evolution and is not located in a known functional domain. In silico analyses predict this variant to have a benign effect on protein structure and function. On a molecular level, the impact of this missense variant on protein structure and function is not known and thus we consider this to be a variant of uncertain significance. Furthermore, based on the currently available information, cancer risks associated with this variant, and the RAD50 gene, remain unclear.

NM_005732.4(RAD50):c.1117T>G (p.Ser373Ala)

Gene: RAD50 (RAD50 double strand break repair protein; plus strand). Cytogenetic location: 5q31.1.
Variant type: single nucleotide variant.
Coding change: c.1117T>G on transcript NM_005732.4 (MANE Select); coding-DNA position 1117, T replaced by G.
Protein change: p.Ser373Ala; replaces serine 373 with alanine.
Molecular consequence: missense variant.
Genome position (GRCh38, 1-based): chr5:132,588,752, T>G. VCF-style: chr5-132588752-T-G. GRCh37 (hg19) VCF-style: chr5-131924444-T-G.
Other names: p.S373A:TCT>GCT; short protein forms S373A.
Identifiers: ClinVar variation 127991 (VCV000127991.2), dbSNP rs587780146, ClinGen allele CA288188.